The following is an entry in ClinVar:

ClinVar aggregate classification (germline): Uncertain significance (1 of 4 stars; one submission).

Conditions:
BRWD3-related disorder. Also called: BRWD3-related condition.

Allele frequency attached by ClinVar (database versions not stated): gnomAD exomes below 0.00001 and 0.00001.
gnomAD v4.1: 3 of 1,210,056 alleles (0.00025%); highest among the groups gnomAD compares: Non-Finnish European, 0.00034%; no homozygotes.

Submission:

GeneDx
Classification: Uncertain significance. Last evaluated: 2021-05-26. Review status: criteria provided, single submitter. Criteria: GeneDx Variant Classification Process June 2021. Collection method: clinical testing. Allele origin: germline. Affected: yes.
Comment: In silico analysis supports that this missense variant does not alter protein structure/function; Has not been previously published as pathogenic or benign to our knowledge

NM_153252.5(BRWD3):c.2878G>A (p.Val960Ile)

Gene: BRWD3 (bromodomain and WD repeat domain containing 3; minus strand). Cytogenetic location: Xq21.1.
Variant type: single nucleotide variant.
Coding change: c.2878G>A on transcript NM_153252.5 (MANE Select); coding-DNA position 2878, G replaced by A.
Protein change: p.Val960Ile; replaces valine 960 with isoleucine.
Molecular consequence: missense variant.
Genome position (GRCh38, 1-based): chrX:80,700,022, C>T on the plus strand (G>A on the coding strand, the complement: BRWD3 is on the minus strand). VCF-style: chrX-80700022-C-T. GRCh37 (hg19) VCF-style: chrX-79955521-C-T.
Other names: short protein forms V960I.
Identifiers: ClinVar variation 684475 (VCV000684475.4), dbSNP rs1477713953, ClinGen allele CA413624125.